The following is an entry in ClinVar:

NM_198904.4(GABRG2):c.839A>G (p.Tyr280Cys)

Gene: GABRG2 (gamma-aminobutyric acid type A receptor subunit gamma2; plus strand). Cytogenetic location: 5q34.
Variant type: single nucleotide variant.
Coding change: c.839A>G on transcript NM_198904.4 (MANE Select); coding-DNA position 839, A replaced by G.
Protein change: p.Tyr280Cys; replaces tyrosine 280 with cysteine.
Molecular consequence: missense variant.
Genome position (GRCh38, 1-based): chr5:162,142,233, A>G. VCF-style: chr5-162142233-A-G. GRCh37 (hg19) VCF-style: chr5-161569239-A-G.
Other names: c.839A>G, p.Tyr280Cys (NM_000816.3, NM_001375340.1); c.830A>G, p.Tyr277Cys (NM_001375339.1); c.836A>G, p.Tyr279Cys (NM_001375341.1, NM_001375342.1); c.959A>G, p.Tyr320Cys (NM_001375343.1, NM_198903.2); c.878A>G, p.Tyr293Cys (NM_001375344.1); c.773A>G, p.Tyr258Cys (NM_001375345.1, NM_001375346.1); c.752A>G, p.Tyr251Cys (NM_001375347.1); c.419A>G, p.Tyr140Cys (NM_001375348.1, NM_001375350.1); and 1 more; short protein forms Y258C, Y279C, Y280C, Y185C, Y293C, Y251C, Y277C, Y140C.
Identifiers: ClinVar variation 2945410 (VCV002945410.4), dbSNP rs2532726201, ClinGen allele CA362182099.

ClinVar aggregate classification (germline): Conflicting classifications of pathogenicity. Review status: criteria provided, conflicting classifications (1 of 4 stars). 2 submissions from 2 submitters: Pathogenic (1); Uncertain significance (1). Last evaluated 2025-08-10.

Conditions:
EPILEPSY, CHILDHOOD ABSENCE, SUSCEPTIBILITY TO, 2 (ECA2). Identifiers: Orphanet 64280, MedGen C1843244, OMIM 607681.
Febrile seizures, familial, 8 (FEB8). Also called: CONVULSIONS, FAMILIAL FEBRILE, 8. Identifiers: Orphanet 36387, MedGen C1969810, MONDO:0011891, OMIM 607681.

Submissions (2):

Labcorp Genetics (formerly Invitae), Labcorp
Classification: Pathogenic for Febrile seizures, familial, 8; EPILEPSY, CHILDHOOD ABSENCE, SUSCEPTIBILITY TO, 2. Last evaluated: 2025-08-10. Review status: criteria provided, single submitter. Criteria: Invitae Variant Classification Sherloc (09022015). Collection method: clinical testing. Allele origin: germline.
Comment: This sequence change replaces tyrosine, which is neutral and polar, with cysteine, which is neutral and slightly polar, at codon 280 of the GABRG2 protein (p.Tyr280Cys). This variant is not present in population databases (gnomAD no frequency). This missense change has been observed in individual(s) with clinical features of GABRG2-related conditions (internal data). In at least one individual the variant was observed to be de novo. ClinVar contains an entry for this variant (Variation ID: 2945410). Invitae Evidence Modeling of protein sequence and biophysical properties (such as structural, functional, and spatial information, amino acid conservation, physicochemical variation, residue mobility, and thermodynamic stability) indicates that this missense variant is expected to disrupt GABRG2 protein function with a positive predictive value of 95%. For these reasons, this variant has been classified as Pathogenic.

GeneDx
Classification: Uncertain significance. Last evaluated: 2025-01-22. Review status: criteria provided, single submitter. Criteria: GeneDx Variant Classification Process June 2021. Collection method: clinical testing. Allele origin: germline. Affected: yes.
Comment: Not observed at significant frequency in large population cohorts (gnomAD); In silico analysis supports that this missense variant has a deleterious effect on protein structure/function; Has not been previously published as pathogenic or benign to our knowledge